The following is an entry in ClinVar:

NM_000426.4(LAMA2):c.2961C>G (p.Cys987Trp)

Gene: LAMA2 (laminin subunit alpha 2; plus strand). Cytogenetic location: 6q22.33.
Variant type: single nucleotide variant.
Coding change: c.2961C>G on transcript NM_000426.4 (MANE Select); coding-DNA position 2961, C replaced by G.
Protein change: p.Cys987Trp; replaces cysteine 987 with tryptophan.
Molecular consequence: missense variant.
Genome position (GRCh38, 1-based): chr6:129,297,789, C>G. VCF-style: chr6-129297789-C-G. GRCh37 (hg19) VCF-style: chr6-129618934-C-G.
Other names: c.2961C>G, p.Cys987Trp (NM_001079823.2); short protein forms C987W.
Identifiers: ClinVar variation 5003698 (VCV005003698.1).

ClinVar aggregate classification (germline): Uncertain significance (1 of 4 stars; one submission).

Conditions:
LAMA2-related muscular dystrophy (LAMA2-RD). Also called: Laminin alpha 2-related dystrophy. Identifiers: MedGen C5679788, MONDO:0100228.

gnomAD v4.1: 1 of 1,614,016 alleles (0.000062%); highest among the groups gnomAD compares: Non-Finnish European, 0.000085%; no homozygotes.

Submission:

Myriad Genetics, Inc.
Classification: Uncertain significance for LAMA2-related muscular dystrophy. Last evaluated: 2025-12-18. Review status: criteria provided, single submitter. Criteria: Myriad Autosomal Dominant, Autosomal Recessive and X-Linked Classification Criteria (2023). Collection method: clinical testing. Allele origin: unknown.
Comment: NM_000426.3(LAMA2):c.2961C>G(C987W) is a missense variant classified as a variant of uncertain significance in the context of muscular dystrophy, LAMA2-related. C987W has been observed in a case with relevant disease (PMID: 31069529). Relevant functional assessments of this variant are not available in the literature. C987W has not been observed in referenced population frequency databases. In summary, there is insufficient evidence to classify NM_000426.3(LAMA2):c.2961C>G(C987W) as pathogenic or benign. Please note: this variant was assessed in the context of healthy population screening.

Literature cited by the submitters: PubMed 31069529.